The following is an entry in ClinVar:

NM_000045.4(ARG1):c.647T>C (p.Leu216Pro)

Genes: ARG1 (arginase 1; plus strand), MED23 (mediator complex subunit 23; minus strand). Cytogenetic location: 6q23.2.
Variant type: single nucleotide variant.
Coding change: c.647T>C on transcript NM_000045.4 (MANE Select); coding-DNA position 647, T replaced by C.
Protein change: p.Leu216Pro; replaces leucine 216 with proline.
Molecular consequence: missense variant. On other transcripts: non-coding transcript variant (1), intron variant (2).
Genome position (GRCh38, 1-based): chr6:131,583,146, T>C. VCF-style: chr6-131583146-T-C. GRCh37 (hg19) VCF-style: chr6-131904286-T-C.
Other names: c.671T>C, p.Leu224Pro (NM_001244438.2); c.392T>C, p.Leu131Pro (NM_001369020.1); c.4077+4563A>G (NM_001270521.2); c.4095+4563A>G (NM_015979.4); short protein forms L131P, L216P, L224P.
Identifiers: ClinVar variation 4535965 (VCV004535965.1).

ClinVar aggregate classification (germline): Uncertain significance (1 of 4 stars; one submission).

gnomAD v4.1: 1 of 1,613,780 alleles (0.000062%); highest among the groups gnomAD compares: Non-Finnish European, 0.000085%; no homozygotes.

Submission:

Women's Health and Genetics/Laboratory Corporation of America, LabCorp
Classification: Uncertain significance. Last evaluated: 2025-09-25. Review status: criteria provided, single submitter. Criteria: LabCorp Variant Classification Summary - May 2015. Collection method: clinical testing. Allele origin: germline.
Comment: Variant summary: ARG1 c.647T>C (p.Leu216Pro) results in a non-conservative amino acid change in the encoded protein sequence. Algorithms developed to predict the effect of missense changes on protein structure and function all suggest that this variant is likely to be disruptive. The variant allele was found at a frequency of 4e-06 in 251180 control chromosomes. The available data on variant occurrences in the general population are insufficient to allow any conclusion about variant significance. c.647T>C has been observed in one individual affected with Arginase Deficiency (Cui_2020, Cui_2021). These data do not allow any conclusion about variant significance. To our knowledge, no experimental evidence demonstrating an impact on protein function has been reported. The following publications have been ascertained in the context of this evaluation (PMID: 32769929, 34430444). No submitters have cited clinical-significance assessments for this variant to ClinVar. Based on the evidence outlined above, the variant was classified as uncertain significance.

Literature cited by the submitters: PubMed 32769929; PubMed 34430444.